The following is an entry in ClinVar:

ClinVar aggregate classification (germline): Uncertain significance. Review status: criteria provided, multiple submitters, no conflicts (2 of 4 stars). 3 submissions from 3 submitters: Uncertain significance (2). 1 of the submissions does not count toward it. Last evaluated 2025-03-31.

Conditions:
Aspartylglucosaminuria (AGU). Also called: Aspartylglucos-aminuria; Aspartylglucos-amidase (AGA) deficiency; AGA DEFICIENCY; GLYCOASPARAGINASE; GLYCOSYLASPARAGINASE DEFICIENCY. Identifiers: Orphanet 93, MedGen C0268225, MONDO:0008830, OMIM 208400, HP:0012068.

Allele frequency attached by ClinVar (database versions not stated): gnomAD 0.00001; gnomAD exomes 0.00001; ExAC 0.00002.
gnomAD v4.1: 19 of 1,600,316 alleles (0.0012%); highest among the groups gnomAD compares: Middle Eastern, 0.017%; no homozygotes.

Submissions (3):

Labcorp Genetics (formerly Invitae), Labcorp
Classification: Uncertain significance for Aspartylglucosaminuria. Last evaluated: 2025-03-31. Review status: criteria provided, single submitter. Criteria: Invitae Variant Classification Sherloc (09022015). Collection method: clinical testing. Allele origin: germline.
Comment: This sequence change replaces isoleucine, which is neutral and non-polar, with threonine, which is neutral and polar, at codon 172 of the AGA protein (p.Ile172Thr). This variant is present in population databases (rs745924498, gnomAD 0.003%). This variant has not been reported in the literature in individuals affected with AGA-related conditions. ClinVar contains an entry for this variant (Variation ID: 558964). Invitae Evidence Modeling of protein sequence and biophysical properties (such as structural, functional, and spatial information, amino acid conservation, physicochemical variation, residue mobility, and thermodynamic stability) indicates that this missense variant is not expected to disrupt AGA protein function with a negative predictive value of 95%. In summary, the available evidence is currently insufficient to determine the role of this variant in disease. Therefore, it has been classified as a Variant of Uncertain Significance.

Genome-Nilou Lab
Classification: Uncertain significance for Aspartylglucosaminuria. Last evaluated: 2021-07-14. Review status: criteria provided, single submitter. Criteria: ACMG Guidelines, 2015. Collection method: clinical testing. Allele origin: germline. Affected: no.

Mayo Clinic Laboratories, Mayo Clinic
Classification: Uncertain significance. Last evaluated: 2017-08-16. Review status: no assertion criteria provided. Collection method: clinical testing. Allele origin: unknown. Not counted in ClinVar's aggregate classification.

NM_000027.4(AGA):c.515T>C (p.Ile172Thr)

Gene: AGA (aspartylglucosaminidase; minus strand). Cytogenetic location: 4q34.3.
Variant type: single nucleotide variant.
Coding change: c.515T>C on transcript NM_000027.4 (MANE Select); coding-DNA position 515, T replaced by C.
Protein change: p.Ile172Thr; replaces isoleucine 172 with threonine.
Molecular consequence: missense variant. On other transcripts: non-coding transcript variant (1).
Genome position (GRCh38, 1-based): chr4:177,437,512, A>G on the plus strand (T>C on the coding strand, the complement: AGA is on the minus strand). VCF-style: chr4-177437512-A-G. GRCh37 (hg19) VCF-style: chr4-178358666-A-G.
Other names: c.515T>C, p.Ile172Thr (NM_001171988.2); short protein forms I172T.
Identifiers: ClinVar variation 558964 (VCV000558964.10), dbSNP rs745924498, ClinGen allele CA3146895.
Genomic context (GRCh38, chr4:177,437,512, plus strand): 5'-ATATCCTGCTTTAAGATACCAGGTGGTTTGTAGGGTCCGCAGTATTTTGAGGGATCTGGT[A>G]TAACATTCTGTAAACAAGATTTAAGTTTTATTTCTTACAAAGGGTATTTTTAGAAATTGC-3'
Protein context (NP_000018.2, residues 162-182): NCQPNYWRNV[Ile172Thr]PDPSKYCGPY